The following is an entry in ClinVar:

NM_017950.4(CCDC40):c.*149T>C

Gene: CCDC40 (coiled-coil domain 40 molecular ruler complex subunit; plus strand). Cytogenetic location: 17q25.3.
Variant type: single nucleotide variant.
Coding change: c.*149T>C on transcript NM_017950.4 (MANE Select); 149 bases downstream of the stop codon, T replaced by C.
Molecular consequence: 3 prime UTR variant.
Genome position (GRCh38, 1-based): chr17:80,099,924, T>C. VCF-style: chr17-80099924-T-C. GRCh37 (hg19) VCF-style: chr17-78073723-T-C.
Identifiers: ClinVar variation 325752 (VCV000325752.9), dbSNP rs2304852, ClinGen allele CA10651244.
Genomic context (GRCh38, chr17:80,099,924, plus strand): 5'-TAAAAACCACATGTACCCTCAGAAGGGCATCGTTTAAGAGAAATAAGCCAGCCCCACCCA[T>C]AGGAATCTTTTTAGCCACTCAGCAATTTAATAAACCAGGTAAAATCCTAGCGTTTCCCAT-3'

ClinVar aggregate classification (germline): Benign. Review status: criteria provided, multiple submitters, no conflicts (2 of 4 stars). 3 submissions from 3 submitters: Benign (3). Last evaluated 2018-07-09.

Conditions:
Primary ciliary dyskinesia 15. Also called: CILIARY DYSKINESIA, PRIMARY, 15, WITH OR WITHOUT SITUS INVERSUS. Identifiers: Orphanet 244, MedGen C3151137, MONDO:0013435, OMIM 613808.

Allele frequency attached by ClinVar (database versions not stated): gnomAD exomes 0.44138; TOPMed 0.47333; gnomAD 0.48775 and 0.48973; 1000 Genomes Project 0.49301; 1000 Genomes Project 30x 0.49469.
gnomAD v4.1: 363,342 of 806,292 alleles (45%); highest among the groups gnomAD compares: African/African-American, 58%; 84,590 homozygotes.

Submissions (3):

GeneDx
Classification: Benign. Last evaluated: 2018-07-09. Review status: criteria provided, single submitter. Criteria: GeneDx Variant Classification Process June 2021. Collection method: clinical testing. Allele origin: germline. Affected: yes.

Illumina Laboratory Services, Illumina
Classification: Benign for Primary ciliary dyskinesia 15. Last evaluated: 2018-01-12. Review status: criteria provided, single submitter. Criteria: ICSL Variant Classification Criteria 13 December 2019. Collection method: clinical testing. Allele origin: germline.
Comment: This variant was observed in the ICSL laboratory as part of a predisposition screen in an ostensibly healthy population. It had not been previously curated by ICSL or reported in the Human Gene Mutation Database (HGMD: prior to June 1st, 2018), and was therefore a candidate for classification through an automated scoring system. Utilizing variant allele frequency, disease prevalence and penetrance estimates, and inheritance mode, an automated score was calculated to assess if this variant is too frequent to cause the disease. Based on the score and internal cut-off values, a variant classified as benign is not then subjected to further curation. The score for this variant resulted in a classification of benign for this disease.

Breakthrough Genomics
Classification: Benign. Review status: criteria provided, single submitter. Criteria: ACMG Guidelines, 2015. Collection method: not provided. Allele origin: germline. Inheritance: Autosomal recessive inheritance. Affected: yes.